The following is an entry in ClinVar:

ClinVar aggregate classification (germline): Pathogenic. Review status: reviewed by expert panel (3 of 4 stars). 3 submissions from 3 submitters: Pathogenic (1). 2 of the submissions do not count toward it. Last evaluated 2025-08-03.

Conditions:
Primary ciliary dyskinesia. Also called: Ciliary dyskinesia. Identifiers: Orphanet 244, MedGen C0008780, MONDO:0016575, HP:0012265.
Retinitis pigmentosa 3. Also called: CHOROIDORETINAL DEGENERATION WITH RETINAL REFLEX IN HETEROZYGOUS WOMEN. Identifiers: Orphanet 791, MedGen C1845667, MONDO:0010227, OMIM 300029.
RPGR-related retinopathy. Also called: RPGR retinopathy. Identifiers: MedGen CN305589, MONDO:0100437.

Submissions (3):

ClinGen X-linked Inherited Retinal Disease Variant Curation Expert Panel, ClinGen
Classification: Pathogenic for RPGR-related retinopathy. Last evaluated: 2025-08-03. Review status: reviewed by expert panel. Criteria: ClinGen X LinkedIRD ACMG Specifications RPGR V1.0.0. Collection method: curation. Allele origin: germline. Inheritance: X-linked inheritance.
Comment: NM_001034853.2(RPGR):c.1754-3C>G is an intron 14 variant located 3 nucleotides from exon 15. The splicing impact predictor SpliceAI gives a score of 0.37 for acceptor loss, which is above the ClinGen X-linked IRD VCEP recommended threshold of ≥0.2 and predicts a damaging impact on splicing, while cells transected with the variant intron showed almost no mCherry signal relative to the wild-type intron control, indicating severely defective splicing (PMID: 36276946). The PP3 and PS3_Supporting codes were not met as the evidence has been combined to meet PVS1 instead (PVS1_RNA). This variant is absent from gnomAD v4.1.0 (PM2_Supporting). At least one proband harboring this variant exhibits a phenotype including early onset (1 pt), night blindness (0.5 pts), reduced visual acuity (0.5 pts), optic disc pallor (0.5 pts), pigment deposits (0.5 pts), markedly reduced rod electroretinogram responses (1 pt), and genotyping by a next-generation sequencing panel of 483 genes that did not identify an alternative basis for retinal disease (2 pts), which together are specific for RPGR-related retinopathy (6 points, PP4). The variant has been reported to segregate with retinal dystrophy through at least 2 meioses from 1 family (PMID: 36276946), however, the PP1 code is not met as the carrier mother is unaffected. In summary, this variant is classified as pathogenic for RPGR-related retinopathy based on the ClinGen X-linked Inherited Retinal Disease Expert Panel Specifications to the ACMG/AMP Variant Interpretation Guidelines for RPGR Version 1.0.0; PVS1, PM2_Supporting, and PP4. (date of approval 05/16/2025).

Labcorp Genetics (formerly Invitae), Labcorp
Classification: Pathogenic for Primary ciliary dyskinesia. Last evaluated: 2024-07-12. Review status: criteria provided, single submitter. Criteria: Invitae Variant Classification Sherloc (09022015). Collection method: clinical testing. Allele origin: germline. Not counted in ClinVar's aggregate classification.
Comment: This sequence change falls in intron 14 of the RPGR gene. It does not directly change the encoded amino acid sequence of the RPGR protein. It affects a nucleotide within the consensus splice site. This variant is not present in population databases (gnomAD no frequency). This variant has been observed in individual(s) with retinitis pigmentosa (PMID: 36276946; Invitae). In at least one individual the variant was observed to be de novo. ClinVar contains an entry for this variant (Variation ID: 1065689). Studies have shown that this variant alters RPGR gene expression (PMID: 36276946). Variants that disrupt the consensus splice site are a relatively common cause of aberrant splicing (PMID: 17576681, 9536098). Studies have shown that this variant alters mRNA splicing and is expected to lead to the loss of protein expression (PMID: 36276946). For these reasons, this variant has been classified as Pathogenic.

Ocular Genomics Institute, Massachusetts Eye and Ear
Classification: Uncertain significance for Retinitis pigmentosa 3. Last evaluated: 2021-04-08. Review status: criteria provided, single submitter. Criteria: ACMG Guidelines, 2015. Collection method: research. Allele origin: germline. Affected: yes. Not counted in ClinVar's aggregate classification.
Comment: Through a review of available evidence we were able to apply the following criteria: PM2. Based on this evidence we have classified this variant as Variant of Uncertain Significance.

Literature cited by the submitters: PubMed 36276946 (cited by Labcorp Genetics (formerly Invitae), Labcorp); PubMed 17576681 (cited by Labcorp Genetics (formerly Invitae), Labcorp); PubMed 9536098 (cited by Labcorp Genetics (formerly Invitae), Labcorp).

NM_001034853.2(RPGR):c.1754-3C>G

Gene: RPGR (retinitis pigmentosa GTPase regulator; minus strand). Cytogenetic location: Xp11.4.
Variant type: single nucleotide variant.
Coding change: c.1754-3C>G on transcript NM_001034853.2 (MANE Select); 3 bases into the intron before coding-DNA position 1754, C replaced by G.
Molecular consequence: intron variant.
Genome position (GRCh38, 1-based): chrX:38,287,248, G>C on the plus strand (C>G on the coding strand, the complement: RPGR is on the minus strand). VCF-style: chrX-38287248-G-C. GRCh37 (hg19) VCF-style: chrX-38146501-G-C.
Other names: c.1569+3711C>G (NM_001367249.1, NM_001367250.1); c.1751-3C>G (NM_001367245.1); c.1386+3711C>G (NM_001367251.1); c.1568-3C>G (NM_001367246.1); c.1572+3711C>G (NM_001367247.1); c.1754-3C>G (NM_000328.3); c.1602+3711C>G (NM_001367248.1).
Identifiers: ClinVar variation 1065689 (VCV001065689.7), dbSNP rs2147201026, ClinGen allele CA412733107.
Genomic context (GRCh38, chrX:38,287,248, plus strand): 5'-TGCTCCTCTATTCCATTTCCTTTTGAATCCTCTGCTCCTTCCTTCTCCTCTGGGATCTCT[G>C]ACAAGCGATCACATTTAAAATCATACTTTGCCATGGATTTGGATATTATGGGTTTAGTCT-3'